The following is an entry in ClinVar:

ClinVar aggregate classification (germline): Uncertain significance (1 of 4 stars; one submission).

Conditions:
Progressive myoclonic epilepsy type 5. Identifiers: Orphanet 402082, MedGen C5190799.

Submission:

Labcorp Genetics (formerly Invitae), Labcorp
Classification: Uncertain significance for Progressive myoclonic epilepsy type 5. Last evaluated: 2024-03-07. Review status: criteria provided, single submitter. Criteria: Invitae Variant Classification Sherloc (09022015). Collection method: clinical testing. Allele origin: germline.
Comment: This sequence change replaces methionine, which is neutral and non-polar, with lysine, which is basic and polar, at codon 639 of the PRICKLE2 protein (p.Met639Lys). This variant is not present in population databases (gnomAD no frequency). This variant has not been reported in the literature in individuals affected with PRICKLE2-related conditions. Advanced modeling of protein sequence and biophysical properties (such as structural, functional, and spatial information, amino acid conservation, physicochemical variation, residue mobility, and thermodynamic stability) performed at Invitae indicates that this missense variant is not expected to disrupt PRICKLE2 protein function with a negative predictive value of 80%. In summary, the available evidence is currently insufficient to determine the role of this variant in disease. Therefore, it has been classified as a Variant of Uncertain Significance.

NM_198859.4(PRICKLE2):c.1916T>A (p.Met639Lys)

Genes: PRICKLE2 (prickle planar cell polarity protein 2; minus strand), PRICKLE2-AS1 (PRICKLE2 antisense RNA 1; plus strand). Cytogenetic location: 3p14.1.
Variant type: single nucleotide variant.
Coding change: c.1916T>A on transcript NM_198859.4 (MANE Select); coding-DNA position 1916, T replaced by A.
Protein change: p.Met639Lys; replaces methionine 639 with lysine.
Molecular consequence: missense variant. On other transcripts: non-coding transcript variant (1).
Genome position (GRCh38, 1-based): chr3:64,099,670, A>T on the plus strand (T>A on the coding strand, the complement: PRICKLE2 is on the minus strand). VCF-style: chr3-64099670-A-T. GRCh37 (hg19) VCF-style: chr3-64085346-A-T.
Other names: c.1916T>A, p.Met639Lys (NM_001370528.1); short protein forms M639K.
Identifiers: ClinVar variation 3672239 (VCV003672239.2).